The following is an entry in ClinVar:

NM_001851.6(COL9A1):c.404A>C (p.Asp135Ala)

Gene: COL9A1 (collagen type IX alpha 1 chain; minus strand). Cytogenetic location: 6q13.
Variant type: single nucleotide variant.
Coding change: c.404A>C on transcript NM_001851.6 (MANE Select); coding-DNA position 404, A replaced by C.
Protein change: p.Asp135Ala; replaces aspartic acid 135 with alanine.
Molecular consequence: missense variant.
Genome position (GRCh38, 1-based): chr6:70,294,459, T>G on the plus strand (A>C on the coding strand, the complement: COL9A1 is on the minus strand). VCF-style: chr6-70294459-T-G. GRCh37 (hg19) VCF-style: chr6-71004162-T-G.
Other names: c.404A>C, p.Asp135Ala (NM_001377291.1); short protein forms D135A.
Identifiers: ClinVar variation 1020866 (VCV001020866.6), dbSNP rs1202257253, ClinGen allele CA364671645.

ClinVar aggregate classification (germline): Uncertain significance (1 of 4 stars; one submission).

gnomAD v4.1: 1 of 1,614,138 alleles (0.000062%); highest among the groups gnomAD compares: African/African-American, 0.0013%; no homozygotes.

Submission:

Labcorp Genetics (formerly Invitae), Labcorp
Classification: Uncertain significance. Last evaluated: 2021-08-28. Review status: criteria provided, single submitter. Criteria: Invitae Variant Classification Sherloc (09022015). Collection method: clinical testing. Allele origin: germline.
Comment: This sequence change replaces aspartic acid with alanine at codon 135 of the COL9A1 protein (p.Asp135Ala). The aspartic acid residue is highly conserved and there is a moderate physicochemical difference between aspartic acid and alanine. This variant is not present in population databases (ExAC no frequency). This variant has not been reported in the literature in individuals affected with COL9A1-related conditions. In summary, the available evidence is currently insufficient to determine the role of this variant in disease. Therefore, it has been classified as a Variant of Uncertain Significance.